The following is an entry in ClinVar:

NM_000138.5(FBN1):c.-7_-6dup

Gene: FBN1 (fibrillin 1; minus strand). Cytogenetic location: 15q21.1.
Variant type: Duplication.
Coding change: c.-7_-6dup on transcript NM_000138.5 (MANE Select); 7 bases upstream of the start codon through 6 bases upstream of the start codon, 2 bases duplicated (CG; older notation c.-7_-6dupCG).
Molecular consequence: 5 prime UTR variant.
Genome position (GRCh38, 1-based): chr15:48,644,775-48,644,776, CG duplicated on the plus strand (CG on the coding strand, the reverse complement: FBN1 is on the minus strand). VCF-style (leftmost placement, unchanged base first): chr15-48644774-C-CCG. GRCh37 (hg19) VCF-style: chr15-48936971-C-CCG.
Identifiers: ClinVar variation 926360 (VCV000926360.5), dbSNP rs1890264079, ClinGen allele CA913189040.

ClinVar aggregate classification (germline): Uncertain significance. Review status: criteria provided, multiple submitters, no conflicts (2 of 4 stars). 2 submissions from 2 submitters: Uncertain significance (2). Last evaluated 2024-05-30.

Conditions:
Familial thoracic aortic aneurysm and aortic dissection (TAAD). Also called: Thoracic aortic aneurysms and dissections. Identifiers: Orphanet 91387, MedGen C4707243, MONDO:0019625.
Marfan syndrome (MFS). Also called: Marfan syndrome, classic; Marfan syndrome type 1; Marfan's syndrome; FBN1-Related Marfan Syndrome; MARFAN SYNDROME, TYPE I. Identifiers: Orphanet 284963, Orphanet 558, MedGen C0024796, MONDO:0007947, OMIM 154700.

Allele frequency attached by ClinVar (database versions not stated): TOPMed below 0.00001; gnomAD exomes below 0.00001.

Submissions (2):

All of Us Research Program, National Institutes of Health
Classification: Uncertain significance for Marfan syndrome. Last evaluated: 2024-05-30. Review status: criteria provided, single submitter. Criteria: ACMG Guidelines, 2015. Collection method: clinical testing. Allele origin: germline. Inheritance: Autosomal dominant inheritance. Observed: 1 variant allele, 1 heterozygote.
Comment: This variant duplicates two nucleotides in the 5' untranslated region of the FBN1 gene. To our knowledge, functional studies have not been reported for this variant. This variant has not been reported in individuals affected with FBN1-related disorders in the literature. This variant has not been identified in the general population by the Genome Aggregation Database (gnomAD). The available evidence is insufficient to determine the role of this variant in disease conclusively. Therefore, this variant is classified as a Variant of Uncertain Significance.

This study involves interpretation of variants in research participants for the purpose of population health screening. Participant phenotype was not available at the time of variant classification. Additional details can be found in publication PMID: 35346344, PMCID: PMC8962531

Color Diagnostics, LLC DBA Color Health
Classification: Uncertain significance for Familial thoracic aortic aneurysm and aortic dissection. Last evaluated: 2024-05-11. Review status: criteria provided, single submitter. Criteria: ACMG Guidelines, 2015. Collection method: clinical testing. Allele origin: germline.
Comment: This variant duplicates two nucleotides in the 5' untranslated region of the FBN1 gene. To our knowledge, functional studies have not been reported for this variant. This variant has not been reported in individuals affected with FBN1-related disorders in the literature. This variant has not been identified in the general population by the Genome Aggregation Database (gnomAD). The available evidence is insufficient to determine the role of this variant in disease conclusively. Therefore, this variant is classified as a Variant of Uncertain Significance.